The following is an entry in ClinVar:

NM_001014.5(RPS10):c.150+6_150+8del

Genes: RPS10 (ribosomal protein S10; minus strand), RPS10-NUDT3 (RPS10-NUDT3 readthrough; minus strand). Cytogenetic location: 6p21.31.
Variant type: Microsatellite.
Coding change: c.150+6_150+8del on transcript NM_001014.5 (MANE Select); bases 6 to 8 of the intron after coding-DNA position 150, 3 bases deleted (AGG; older notation c.150+6_150+8delAGG).
Molecular consequence: intron variant.
Genome position (GRCh38, 1-based): chr6:34,425,064-34,425,066, CCT deleted on the plus strand (AGG on the coding strand, the reverse complement: RPS10 is on the minus strand); deleting any 3 consecutive bases within chr6:34,425,064-34,425,069 gives the same sequence; the c. name uses the placement nearest the transcript's 3' end. VCF-style (leftmost placement, unchanged base first): chr6-34425063-CCCT-C. GRCh37 (hg19) VCF-style: chr6-34392840-CCCT-C.
Other names: c.150+6_150+8del (NM_001202470.3, NM_001204091.2, NM_001203245.3).
Identifiers: ClinVar variation 2727151 (VCV002727151.3), dbSNP rs2533032398, ClinGen allele CA2678345813.

ClinVar aggregate classification (germline): Uncertain significance (1 of 4 stars; one submission).

Conditions:
Diamond-Blackfan anemia. Also called: Blackfan Diamond syndrome; Aregenerative anemia chronic congenital; Red cell aplasia, pure hereditary; Congenital hypoplastic anemia; Aase syndrome. Identifiers: Orphanet 124, MedGen C1260899, MeSH D029503, MONDO:0015253, HP:0004810.

Submission:

Labcorp Genetics (formerly Invitae), Labcorp
Classification: Uncertain significance for Diamond-Blackfan anemia. Last evaluated: 2023-06-03. Review status: criteria provided, single submitter. Criteria: Invitae Variant Classification Sherloc (09022015). Collection method: clinical testing. Allele origin: germline.
Comment: In summary, the available evidence is currently insufficient to determine the role of this variant in disease. Therefore, it has been classified as a Variant of Uncertain Significance. Variants that disrupt the consensus splice site are a relatively common cause of aberrant splicing (PMID: 17576681, 9536098). Algorithms developed to predict the effect of sequence changes on RNA splicing suggest that this variant is not likely to affect RNA splicing. This variant has not been reported in the literature in individuals affected with RPS10-related conditions. This variant is not present in population databases (gnomAD no frequency). This sequence change falls in intron 2 of the RPS10 gene. It does not directly change the encoded amino acid sequence of the RPS10 protein. It affects a nucleotide within the consensus splice site.

Literature cited by the submitters: PubMed 17576681; PubMed 9536098.